The following is an entry in ClinVar:

ClinVar aggregate classification (germline): Uncertain significance (1 of 4 stars; one submission).

Conditions:
Bethlem myopathy 1A. Also called: Bethlem myopathy 1; MYOPATHY, BENIGN CONGENITAL, WITH CONTRACTURES; Bethlem Muscular Dystrophy. Identifiers: Orphanet 610, MedGen CN029274, MONDO:0024530, OMIM 158810.

Allele frequency attached by ClinVar (database versions not stated): gnomAD exomes below 0.00001.
gnomAD v4.1: 2 of 1,614,228 alleles (0.00012%); highest among the groups gnomAD compares: African/African-American, 0.0027%; no homozygotes.

Submission:

Labcorp Genetics (formerly Invitae), Labcorp
Classification: Uncertain significance for Bethlem myopathy 1A. Last evaluated: 2023-10-05. Review status: criteria provided, single submitter. Criteria: Invitae Variant Classification Sherloc (09022015). Collection method: clinical testing. Allele origin: germline.
Comment: This sequence change replaces aspartic acid, which is acidic and polar, with asparagine, which is neutral and polar, at codon 1483 of the COL6A3 protein (p.Asp1483Asn). This variant is not present in population databases (gnomAD no frequency). This variant has not been reported in the literature in individuals affected with COL6A3-related conditions. Advanced modeling of protein sequence and biophysical properties (such as structural, functional, and spatial information, amino acid conservation, physicochemical variation, residue mobility, and thermodynamic stability) performed at Invitae indicates that this missense variant is not expected to disrupt COL6A3 protein function. In summary, the available evidence is currently insufficient to determine the role of this variant in disease. Therefore, it has been classified as a Variant of Uncertain Significance.

NM_004369.4(COL6A3):c.4447G>A (p.Asp1483Asn)

Gene: COL6A3 (collagen type VI alpha 3 chain; minus strand). Cytogenetic location: 2q37.3.
Variant type: single nucleotide variant.
Coding change: c.4447G>A on transcript NM_004369.4 (MANE Select); coding-DNA position 4447, G replaced by A.
Protein change: p.Asp1483Asn; replaces aspartic acid 1483 with asparagine.
Molecular consequence: missense variant.
Genome position (GRCh38, 1-based): chr2:237,369,016, C>T on the plus strand (G>A on the coding strand, the complement: COL6A3 is on the minus strand). VCF-style: chr2-237369016-C-T. GRCh37 (hg19) VCF-style: chr2-238277659-C-T.
Other names: c.2626G>A, p.Asp876Asn (NM_057166.5); c.3829G>A, p.Asp1277Asn (NM_057167.4); short protein forms D1277N, D1483N, D876N.
Identifiers: ClinVar variation 2825656 (VCV002825656.3), dbSNP rs2469889392, ClinGen allele CA351193311.